The following is an entry in ClinVar:

ClinVar aggregate classification (germline): Pathogenic (1 of 4 stars; one submission).

Conditions:
Retinitis pigmentosa 25 (RP25). Identifiers: Orphanet 791, MedGen C1864446, MONDO:0011272, OMIM 602772.

Submission:

Myriad Genetics, Inc.
Classification: Pathogenic for Retinitis pigmentosa 25. Last evaluated: 2023-09-28. Review status: criteria provided, single submitter. Criteria: Myriad Autosomal Dominant, Autosomal Recessive and X-Linked Classification Criteria (2023). Collection method: clinical testing. Allele origin: unknown.
Comment: NM_001142800.1(EYS):c.1131delT(P378Lfs*2) is expected to be pathogenic in the context of retinitis pigmentosa, EYS-related. This variant is predicted to lead to an abnormal or absent protein product due to the creation of a premature termination codon in EYS, a gene where loss-of-function variants are known to be pathogenic. Please note: this variant was assessed in the context of healthy population screening.

NM_001142800.2(EYS):c.1131del (p.Pro378fs)

Gene: EYS (EGF-like photoreceptor maintenance factor; minus strand). Cytogenetic location: 6q12.
Variant type: Deletion.
Coding change: c.1131del on transcript NM_001142800.2 (MANE Select); coding-DNA position 1131, one base deleted (T; older notation c.1131delT).
Protein change: p.Pro378fs; shifts the reading frame from proline 378.
Molecular consequence: frameshift variant.
Genome position (GRCh38, 1-based): chr6:65,402,531, A deleted on the plus strand (T on the coding strand, the reverse complement: EYS is on the minus strand); the first of 3 consecutive A bases (chr6:65,402,531-65,402,533); deleting any one gives the same sequence. VCF-style (leftmost placement, unchanged base first): chr6-65402530-GA-G. GRCh37 (hg19) VCF-style: chr6-66112423-GA-G.
Other names: c.1131del, p.Pro378fs (NM_001142801.2, NM_001292009.2, NM_198283.2); short protein forms P378fs.
Identifiers: ClinVar variation 5012328 (VCV005012328.1).